The following is an entry in ClinVar:

ClinVar aggregate classification (germline): Uncertain significance. Review status: criteria provided, multiple submitters, no conflicts (2 of 4 stars). 2 submissions from 2 submitters: Uncertain significance (2). Last evaluated 2025-12-25.

Conditions:
Inborn genetic diseases. Identifiers: MedGen C0950123, MeSH D030342.
Hyperammonemic encephalopathy due to carbonic anhydrase VA deficiency. Also called: Carbonic Anhydrase VA Deficiency; Carbonic anhydrase VA deficiency, hyperammonemia due to. Identifiers: Orphanet 401948, MedGen C4706871, MONDO:0014332, OMIM 615751.

Allele frequency attached by ClinVar (database versions not stated): gnomAD 0.00002; gnomAD exomes 0.00002; ExAC 0.00004.

Submissions (2):

Labcorp Genetics (formerly Invitae), Labcorp
Classification: Uncertain significance for Hyperammonemic encephalopathy due to carbonic anhydrase VA deficiency. Last evaluated: 2025-12-25. Review status: criteria provided, single submitter. Criteria: Invitae Variant Classification Sherloc (09022015). Collection method: clinical testing. Allele origin: germline.
Comment: This sequence change replaces leucine, which is neutral and non-polar, with valine, which is neutral and non-polar, at codon 259 of the CA5A protein (p.Leu259Val). This variant is present in population databases (rs750565071, gnomAD 0.05%). This variant has not been reported in the literature in individuals affected with CA5A-related conditions. ClinVar contains an entry for this variant (Variation ID: 2481161). An algorithm developed to predict the effect of missense changes on protein structure and function (PolyPhen-2) suggests that this variant is likely to be disruptive. In summary, the available evidence is currently insufficient to determine the role of this variant in disease. Therefore, it has been classified as a Variant of Uncertain Significance.

Ambry Genetics
Classification: Uncertain significance for Inborn genetic diseases. Last evaluated: 2023-02-06. Review status: criteria provided, single submitter. Criteria: Ambry Variant Classification Scheme 2023. Collection method: clinical testing. Allele origin: germline.

NM_001739.2(CA5A):c.775C>G (p.Leu259Val)

Gene: CA5A (carbonic anhydrase 5A; minus strand). Cytogenetic location: 16q24.2.
Variant type: single nucleotide variant.
Coding change: c.775C>G on transcript NM_001739.2 (MANE Select); coding-DNA position 775, C replaced by G.
Protein change: p.Leu259Val; replaces leucine 259 with valine.
Molecular consequence: missense variant. On other transcripts: non-coding transcript variant (2), intron variant (1).
Genome position (GRCh38, 1-based): chr16:87,888,272, G>C on the plus strand (C>G on the coding strand, the complement: CA5A is on the minus strand). VCF-style: chr16-87888272-G-C. GRCh37 (hg19) VCF-style: chr16-87921878-G-C.
Other names: c.774+3527C>G (NM_001367225.1); short protein forms L259V.
Identifiers: ClinVar variation 2481161 (VCV002481161.3), dbSNP rs750565071, ClinGen allele CA8223259.